The following is an entry in ClinVar:

ClinVar aggregate classification (germline): Pathogenic (1 of 4 stars; one submission).

Conditions:
Early-infantile DEE. Also called: Early infantile epileptic encephalopathy with suppression bursts; Early infantile epileptic encephalopathy; Ohtahara syndrome. Identifiers: Orphanet 1934, MedGen C0393706, MONDO:0800491.

Submission:

Labcorp Genetics (formerly Invitae), Labcorp
Classification: Pathogenic for Early-infantile DEE. Last evaluated: 2025-08-18. Review status: criteria provided, single submitter. Criteria: Invitae Variant Classification Sherloc (09022015). Collection method: clinical testing. Allele origin: germline.
Comment: This sequence change creates a premature translational stop signal (p.Gln323Serfs*17) in the KCNQ2 gene. It is expected to result in an absent or disrupted protein product. Loss-of-function variants in KCNQ2 are known to be pathogenic (PMID: 14534157, 23692823, 27779742). This variant is not present in population databases (gnomAD no frequency). This variant has not been reported in the literature in individuals affected with KCNQ2-related conditions. ClinVar contains an entry for this variant (Variation ID: 1455655). For these reasons, this variant has been classified as Pathogenic.

Literature cited by the submitters: PubMed 14534157; PubMed 23692823; PubMed 27779742.

NM_172107.4(KCNQ2):c.967del (p.Gln323fs)

Gene: KCNQ2 (potassium voltage-gated channel subfamily Q member 2; minus strand). Cytogenetic location: 20q13.33.
Variant type: Deletion.
Coding change: c.967del on transcript NM_172107.4 (MANE Select); coding-DNA position 967, one base deleted (C; older notation c.967delC).
Protein change: p.Gln323fs; shifts the reading frame from glutamine 323.
Molecular consequence: frameshift variant.
Genome position (GRCh38, 1-based): chr20:63,438,681, G deleted on the plus strand (C on the coding strand, the reverse complement: KCNQ2 is on the minus strand). VCF-style (leftmost placement, unchanged base first): chr20-63438680-TG-T. GRCh37 (hg19) VCF-style: chr20-62070033-TG-T.
Other names: c.967del, p.Gln323fs (NM_001382235.1, NM_004518.6, NM_172106.3 and 2 more transcripts); short protein forms Q323fs.
Identifiers: ClinVar variation 1455655 (VCV001455655.7), dbSNP rs2145712498, ClinGen allele CA2573157289.
Genomic context (GRCh38, chr20:63,438,680, plus strand): 5'-CTCACCTGGATCAGGCCTGCTGCCGGGTTCCGCCTCTTCTCAAAGTGCTTCTGCCTGTGC[TG>T]CTCCTGAACCTTCAGGGCAAACCCAGACCCCAAGATGCCCTGCAATTCATCAGGGTCAGG-3'